The following is an entry in ClinVar:

NM_207361.6(FREM2):c.177T>C (p.Gly59=)

Gene: FREM2 (FRAS1 related extracellular matrix 2; plus strand). Cytogenetic location: 13q13.3.
Variant type: single nucleotide variant.
Coding change: c.177T>C on transcript NM_207361.6 (MANE Select); coding-DNA position 177, T replaced by C.
Protein change: p.Gly59=; no amino-acid change (glycine 59 retained).
Molecular consequence: synonymous variant.
Genome position (GRCh38, 1-based): chr13:38,687,521, T>C. VCF-style: chr13-38687521-T-C. GRCh37 (hg19) VCF-style: chr13-39261658-T-C.
Other names: p.Gly59=.
Identifiers: ClinVar variation 193527 (VCV000193527.26), dbSNP rs370018440, ClinGen allele CA239067.

ClinVar aggregate classification (germline): Conflicting classifications of pathogenicity. Review status: criteria provided, conflicting classifications (1 of 4 stars). 8 submissions from 8 submitters: Uncertain significance (2); Benign (1); Likely benign (4). 1 of the submissions does not count toward it. Last evaluated 2026-01-20.

Conditions:
Fraser syndrome 2 (FRASRS2). Identifiers: MedGen C4540036, MONDO:0054738, OMIM 617666.
FREM2-related disorder. Also called: FREM2-related condition.

Allele frequency attached by ClinVar (database versions not stated): gnomAD exomes 0.00007 and 0.00019; ExAC 0.00037; ESP Exome Variant Server 0.00069; gnomAD 0.00076 and 0.00079; TOPMed 0.00077; 1000 Genomes Project 0.00120; 1000 Genomes Project 30x 0.00141.
gnomAD v4.1: 214 of 1,598,670 alleles (0.013%); highest among the groups gnomAD compares: African/African-American, 0.26%; 1 homozygote.

Submissions (8):

Labcorp Genetics (formerly Invitae), Labcorp
Classification: Benign. Last evaluated: 2026-01-20. Review status: criteria provided, single submitter. Criteria: Invitae Variant Classification Sherloc (09022015). Collection method: clinical testing. Allele origin: germline.

Women's Health and Genetics/Laboratory Corporation of America, LabCorp
Classification: Likely benign. Last evaluated: 2025-12-03. Review status: criteria provided, single submitter. Criteria: LabCorp Variant Classification Summary - May 2015. Collection method: clinical testing. Allele origin: germline.

Mayo Clinic Laboratories, Mayo Clinic
Classification: Likely benign. Last evaluated: 2025-03-03. Review status: criteria provided, single submitter. Criteria: ACMG Guidelines, 2015. Collection method: clinical testing. Allele origin: germline. Observed: 1 variant allele.
Comment: BP4, BP7

Blueprint Genetics
Classification: Likely benign. Last evaluated: 2024-10-24. Review status: criteria provided, single submitter. Criteria: ACMG Guidelines, 2015. Collection method: clinical testing. Allele origin: germline.

Genetic Services Laboratory, University of Chicago
Classification: Likely benign. Last evaluated: 2019-02-18. Review status: criteria provided, single submitter. Criteria: ACMG Guidelines, 2015. Collection method: clinical testing. Allele origin: germline. Affected: no.

Illumina Laboratory Services, Illumina
Classification: Uncertain significance for Fraser syndrome 2. Last evaluated: 2018-01-13. Review status: criteria provided, single submitter. Criteria: ICSL Variant Classification Criteria 13 December 2019. Collection method: clinical testing. Allele origin: germline.

Eurofins Ntd Llc (ga)
Classification: Uncertain significance. Last evaluated: 2015-02-23. Review status: criteria provided, single submitter. Criteria: EGL Classification Definitions 2015. Collection method: clinical testing. Allele origin: germline. Observed: 1 variant allele, 1 heterozygote.

PreventionGenetics, part of Exact Sciences
Classification: Likely benign for FREM2-related condition. Last evaluated: 2020-01-29. Review status: no assertion criteria provided. Collection method: clinical testing. Allele origin: germline. Not counted in ClinVar's aggregate classification.
Comment: This variant is classified as likely benign based on ACMG/AMP sequence variant interpretation guidelines (Richards et al. 2015 PMID: 25741868, with internal and published modifications).